The following is an entry in ClinVar:

NM_003742.4(ABCB11):c.145C>T (p.Gln49Ter)

Gene: ABCB11 (ATP binding cassette subfamily B member 11; minus strand). Cytogenetic location: 2q31.1.
Variant type: single nucleotide variant.
Coding change: c.145C>T on transcript NM_003742.4 (MANE Select); coding-DNA position 145, C replaced by T.
Protein change: p.Gln49Ter; replaces glutamine 49 with a stop codon.
Molecular consequence: nonsense.
Genome position (GRCh38, 1-based): chr2:169,014,308, G>A on the plus strand (C>T on the coding strand, the complement: ABCB11 is on the minus strand). VCF-style: chr2-169014308-G-A. GRCh37 (hg19) VCF-style: chr2-169870818-G-A.
Other names: short protein forms Q49*.
Identifiers: ClinVar variation 4846128 (VCV004846128.1).

ClinVar aggregate classification (germline): Pathogenic (1 of 4 stars; one submission).

Conditions:
Familial intrahepatic cholestasis. Identifiers: Orphanet 284385, MedGen CN296401, MONDO:0017290.

Submission:

Genomenon, Inc
Classification: Pathogenic for Familial intrahepatic cholestasis. Last evaluated: 2026-04-14. Review status: criteria provided, single submitter. Criteria: Genomenon Sequence Variant Interpretation Standards - Updated. Collection method: curation. Allele origin: germline. Affected: yes.
Comment: ABCB11 p.Gln49Ter (c.145C>T) is a nonsense variant that introduces a premature stop codon at amino acid position 49, creating a truncated protein that is predicted to undergo nonsense-mediated mRNA decay. This variant has been observed in at least one proband with an ABCB11-related disorder (PMID:32808743;29412511;29316097). It is absent or not present at a significant frequency in gnomAD. In conclusion, we classify ABCB11 p.Gln49Ter (c.145C>T) as a pathogenic variant.

Literature cited by the submitters: PubMed 32808743; PubMed 29412511; PubMed 29316097.